The following is an entry in ClinVar:

NM_001371596.2(MFSD8):c.553+20C>T

Gene: MFSD8 (major facilitator superfamily domain containing 8; minus strand). Cytogenetic location: 4q28.2.
Variant type: single nucleotide variant.
Coding change: c.553+20C>T on transcript NM_001371596.2 (MANE Select); 20 bases into the intron after coding-DNA position 553, C replaced by T.
Molecular consequence: intron variant.
Genome position (GRCh38, 1-based): chr4:127,942,025, G>A on the plus strand (C>T on the coding strand, the complement: MFSD8 is on the minus strand). VCF-style: chr4-127942025-G-A. GRCh37 (hg19) VCF-style: chr4-128863180-G-A.
Other names: c.418+20C>T (NM_001371595.1, NM_001371590.2); c.304+1727C>T (NM_001410765.1); c.553+20C>T (NM_152778.4, NM_001363520.3, NM_001371594.2 and 1 more transcripts); c.439+1727C>T (NM_001363521.3, NM_001410766.1, NM_001371593.2); c.559+14C>T (NM_001371592.2).
Identifiers: ClinVar variation 138222 (VCV000138222.11), dbSNP rs542955531, ClinGen allele CA292089.

ClinVar aggregate classification (germline): Benign/Likely benign. Review status: criteria provided, multiple submitters, no conflicts (2 of 4 stars). 3 submissions from 3 submitters: Benign (2); Likely benign (1). Last evaluated 2026-02-01.

Conditions:
Macular dystrophy with central cone involvement (CCMD). Identifiers: MedGen C4015371, MONDO:0014515, OMIM 616170.
Neuronal ceroid lipofuscinosis 7 (CLN7). Also called: MFSD8-Related Neuronal Ceroid-Lipofuscinosis. Identifiers: Orphanet 168491, Orphanet 228366, MedGen C1838571, MONDO:0012588, OMIM 610951.

Allele frequency attached by ClinVar (database versions not stated): gnomAD 0.00002 and 0.00050; TOPMed 0.00008; gnomAD exomes 0.00189; ExAC 0.00199; 1000 Genomes Project 30x 0.00219; 1000 Genomes Project 0.00280.
gnomAD v4.1: 1,442 of 1,557,856 alleles (0.093%); highest among the groups gnomAD compares: South Asian, 1.5%; 25 homozygotes.

Submissions (3):

Labcorp Genetics (formerly Invitae), Labcorp
Classification: Benign for Neuronal ceroid lipofuscinosis 7. Last evaluated: 2026-02-01. Review status: criteria provided, single submitter. Criteria: Invitae Variant Classification Sherloc (09022015). Collection method: clinical testing. Allele origin: germline.

Fulgent Genetics
Classification: Likely benign for Neuronal ceroid lipofuscinosis 7; Macular dystrophy with central cone involvement. Last evaluated: 2022-03-03. Review status: criteria provided, single submitter. Criteria: ACMG Guidelines, 2015. Collection method: clinical testing. Allele origin: unknown.

GeneDx
Classification: Benign. Last evaluated: 2013-06-13. Review status: criteria provided, single submitter. Criteria: GeneDx Variant Classification (06012015). Collection method: clinical testing. Allele origin: germline. Affected: yes.
Comment: This variant is considered likely benign or benign based on one or more of the following criteria: it is a conservative change, it occurs at a poorly conserved position in the protein, it is predicted to be benign by multiple in silico algorithms, and/or has population frequency not consistent with disease.